The following is an entry in ClinVar:

ClinVar aggregate classification (germline): Uncertain significance (1 of 4 stars; one submission).

Submission:

CeGaT Center for Human Genetics Tuebingen
Classification: Uncertain significance. Last evaluated: 2024-09-01. Review status: criteria provided, single submitter. Criteria: CeGaT Center For Human Genetics Tuebingen Variant Classification Criteria Version 2. Collection method: clinical testing. Allele origin: germline. Affected: yes. Observed: 1 variant allele.
Comment: SPAST: PM2, PP3

NM_014946.4(SPAST):c.1617-30_1617-7del

Gene: SPAST (spastin; plus strand). Cytogenetic location: 2p22.3.
Variant type: Deletion.
Coding change: c.1617-30_1617-7del on transcript NM_014946.4 (MANE Select); 30 bases into the intron before coding-DNA position 1617 through 7 bases into the intron before coding-DNA position 1617, 24 bases deleted (AATTTGCTGTTTCTTCCTTCCCTT).
Molecular consequence: intron variant.
Genome position (GRCh38, 1-based): chr2:32,144,907-32,144,930, AATTTGCTGTTTCTTCCTTCCCTT deleted; deleting any 24 consecutive bases within chr2:32,144,906-32,144,930 gives the same sequence; the c. name uses the placement nearest the transcript's 3' end. VCF-style (leftmost placement, unchanged base first): chr2-32144905-ATAATTTGCTGTTTCTTCCTTCCCT-A. GRCh37 (hg19) VCF-style: chr2-32369974-ATAATTTGCTGTTTCTTCCTTCCCT-A.
Other names: c.1521-30_1521-7del (NM_199436.2); c.1520+1492_1520+1515del (NM_001377959.1); c.1614-30_1614-7del (NM_001363823.2); c.1518-30_1518-7del (NM_001363875.2).
Identifiers: ClinVar variation 3389681 (VCV003389681.14).